The following is an entry in ClinVar:

NM_004990.4(MARS1):c.793A>C (p.Asn265His)

Gene: MARS1 (methionyl-tRNA synthetase 1; plus strand). Cytogenetic location: 12q13.3.
Variant type: single nucleotide variant.
Coding change: c.793A>C on transcript NM_004990.4 (MANE Select); coding-DNA position 793, A replaced by C.
Protein change: p.Asn265His; replaces asparagine 265 with histidine.
Molecular consequence: missense variant.
Genome position (GRCh38, 1-based): chr12:57,498,179, A>C. VCF-style: chr12-57498179-A-C. GRCh37 (hg19) VCF-style: chr12-57891962-A-C.
Other names: short protein forms N265H.
Identifiers: ClinVar variation 3896205 (VCV003896205.2).
Genomic context (GRCh38, chr12:57,498,179, plus strand): 5'-TCCCCCCATGCACTGTTCTCTTCCTCTTTCCTTACTAGGTTGCCTGTGGCTGGAGAAAGG[A>C]ATGTGCTCATCACCAGTGCCCTCCCTTACGTCAACAATGTCCCCCACCTTGGGAACATCA-3'
Protein context (NP_004981.2, residues 255-275): NPVLPVAGER[Asn265His]VLITSALPYV

ClinVar aggregate classification (germline): Uncertain significance (1 of 4 stars; one submission).

gnomAD v4.1: 2 of 1,613,956 alleles (0.00012%); highest among the groups gnomAD compares: Admixed American, 0.0017%; no homozygotes.

Submission:

Women's Health and Genetics/Laboratory Corporation of America, LabCorp
Classification: Uncertain significance. Last evaluated: 2025-04-17. Review status: criteria provided, single submitter. Criteria: LabCorp Variant Classification Summary - May 2015. Collection method: clinical testing. Allele origin: germline.
Comment: Variant summary: MARS1 c.793A>C (p.Asn265His) results in a conservative amino acid change in the encoded protein sequence. Three of five in-silico tools predict a damaging effect of the variant on protein function. The variant allele was found at a frequency of 4e-06 in 251482 control chromosomes (gnomAD). The available data on variant occurrences in the general population are insufficient to allow any conclusion about variant significance. To our knowledge, no occurrence of c.793A>C in individuals affected with Severe early-onset pulmonary alveolar proteinosis due to MARS deficiency and no experimental evidence demonstrating its impact on protein function have been reported. No submitters have cited clinical-significance assessments for this variant to ClinVar. Based on the evidence outlined above, the variant was classified as uncertain significance.